The following is an entry in ClinVar:

ClinVar aggregate classification (germline): Uncertain significance (1 of 4 stars; one submission).

Submission:

Labcorp Genetics (formerly Invitae), Labcorp
Classification: Uncertain significance. Last evaluated: 2025-05-01. Review status: criteria provided, single submitter. Criteria: Invitae Variant Classification Sherloc (09022015). Collection method: clinical testing. Allele origin: germline.
Comment: This sequence change falls in intron 3 of the ACAN gene. It does not directly change the encoded amino acid sequence of the ACAN protein. It affects a nucleotide within the consensus splice site. This variant is not present in population databases (gnomAD no frequency). This variant has not been reported in the literature in individuals affected with ACAN-related conditions. ClinVar contains an entry for this variant (Variation ID: 1966272). Variants that disrupt the consensus splice site are a relatively common cause of aberrant splicing (PMID: 17576681, 9536098). Algorithms developed to predict the effect of sequence changes on RNA splicing suggest that this variant is not likely to affect RNA splicing. In summary, the available evidence is currently insufficient to determine the role of this variant in disease. Therefore, it has been classified as a Variant of Uncertain Significance.

Literature cited by the submitters: PubMed 17576681; PubMed 9536098.

NM_001369268.1(ACAN):c.455-3C>T

Gene: ACAN (aggrecan; plus strand). Cytogenetic location: 15q26.1.
Variant type: single nucleotide variant.
Coding change: c.455-3C>T on transcript NM_001369268.1 (MANE Select); 3 bases into the intron before coding-DNA position 455, C replaced by T.
Molecular consequence: intron variant.
Genome position (GRCh38, 1-based): chr15:88,840,009, C>T. VCF-style: chr15-88840009-C-T. GRCh37 (hg19) VCF-style: chr15-89383240-C-T.
Other names: c.455-3C>T (NM_013227.4, NM_001135.4).
Identifiers: ClinVar variation 1966272 (VCV001966272.5), dbSNP rs2505229742, ClinGen allele CA2575825957.
Genomic context (GRCh38, chr15:88,840,009, plus strand): 5'-CTCGGTGATCAGAGACTGTGCCTGACCAGCTCTTCCGCTTGTGGGCGTGTATGTGTCTTG[C>T]AGGCATCGTGTTCCATTACAGAGCCATCTCTACACGCTACACCCTCGACTTTGACAGGGC-3'